The following is an entry in ClinVar:

ClinVar aggregate classification (germline): Uncertain significance (1 of 4 stars; one submission).

Conditions:
SEMA3D-related disorder. Also called: SEMA3D-related condition.

gnomAD v4.1: 21 of 1,611,920 alleles (0.0013%); highest among the groups gnomAD compares: African/African-American, 0.0094%; no homozygotes.

Submission:

PreventionGenetics, part of Exact Sciences
Classification: Uncertain significance for SEMA3D-related condition. Last evaluated: 2026-09-24. Review status: criteria provided, single submitter. Criteria: ACMG Guidelines, 2015. Collection method: clinical testing. Allele origin: germline.
Comment: The SEMA3D c.1291G>A variant is predicted to result in the amino acid substitution p.Val431Ile. To our knowledge, this variant has not been reported in the literature. This variant is reported in 0.010% of alleles in individuals of East Asian descent in gnomAD. At this time, the clinical significance of this variant is uncertain due to the absence of conclusive functional and genetic evidence.

NM_001384900.1(SEMA3D):c.1291G>A (p.Val431Ile)

Gene: SEMA3D (semaphorin 3D; minus strand). Cytogenetic location: 7q21.11.
Variant type: single nucleotide variant.
Coding change: c.1291G>A on transcript NM_001384900.1 (MANE Select); coding-DNA position 1291, G replaced by A.
Protein change: p.Val431Ile; replaces valine 431 with isoleucine.
Molecular consequence: missense variant.
Genome position (GRCh38, 1-based): chr7:85,022,514, C>T on the plus strand (G>A on the coding strand, the complement: SEMA3D is on the minus strand). VCF-style: chr7-85022514-C-T. GRCh37 (hg19) VCF-style: chr7-84651830-C-T.
Other names: c.1291G>A, p.Val431Ile (NM_001384901.1, NM_001384902.1, NM_001384903.1 and 1 more transcripts); short protein forms V431I.
Identifiers: ClinVar variation 4990021 (VCV004990021.1).